The following is an entry in ClinVar:

ClinVar aggregate classification (germline): Uncertain significance (1 of 4 stars; one submission).

Conditions:
Bailey-Bloch congenital myopathy (CMYO13). Also called: STAC3 disorder; Congenital myopathy 13; Native American myopathy. Identifiers: Orphanet 168572, MedGen C1850625, MONDO:0009722, OMIM 255995.

Allele frequency attached by ClinVar (database versions not stated): TOPMed below 0.00001.

Submission:

Labcorp Genetics (formerly Invitae), Labcorp
Classification: Uncertain significance for Bailey-Bloch congenital myopathy. Last evaluated: 2022-06-20. Review status: criteria provided, single submitter. Criteria: Invitae Variant Classification Sherloc (09022015). Collection method: clinical testing. Allele origin: germline.
Comment: In summary, the available evidence is currently insufficient to determine the role of this variant in disease. Therefore, it has been classified as a Variant of Uncertain Significance. Experimental studies have shown that this missense change affects STAC3 function (PMID: 32492370). ClinVar contains an entry for this variant (Variation ID: 534097). Algorithms developed to predict the effect of missense changes on protein structure and function (SIFT, PolyPhen-2, Align-GVGD) all suggest that this variant is likely to be disruptive. This variant has not been reported in the literature in individuals affected with STAC3-related conditions. This variant is not present in population databases (gnomAD no frequency). This sequence change replaces lysine, which is basic and polar, with asparagine, which is neutral and polar, at codon 329 of the STAC3 protein (p.Lys329Asn).

Literature cited by the submitters: PubMed 32492370.

NM_145064.3(STAC3):c.987G>T (p.Lys329Asn)

Gene: STAC3 (SH3 and cysteine rich domain 3; minus strand). Cytogenetic location: 12q13.3.
Variant type: single nucleotide variant.
Coding change: c.987G>T on transcript NM_145064.3 (MANE Select); coding-DNA position 987, G replaced by T.
Protein change: p.Lys329Asn; replaces lysine 329 with asparagine.
Molecular consequence: missense variant. On other transcripts: non-coding transcript variant (1).
Genome position (GRCh38, 1-based): chr12:57,244,097, C>A on the plus strand (G>T on the coding strand, the complement: STAC3 is on the minus strand). VCF-style: chr12-57244097-C-A. GRCh37 (hg19) VCF-style: chr12-57637880-C-A.
Other names: c.870G>T, p.Lys290Asn (NM_001286256.2); c.429G>T, p.Lys143Asn (NM_001286257.2); short protein forms K329N, K143N, K290N.
Identifiers: ClinVar variation 534097 (VCV000534097.9), dbSNP rs1445308443, ClinGen allele CA385410106.